The following is an entry in ClinVar:

NM_006904.7(PRKDC):c.8570G>C (p.Cys2857Ser)

Gene: PRKDC (protein kinase, DNA-activated, catalytic subunit; minus strand). Cytogenetic location: 8q11.21.
Variant type: single nucleotide variant.
Coding change: c.8570G>C on transcript NM_006904.7 (MANE Select); coding-DNA position 8570, G replaced by C.
Protein change: p.Cys2857Ser; replaces cysteine 2857 with serine.
Molecular consequence: missense variant.
Genome position (GRCh38, 1-based): chr8:47,828,175, C>G on the plus strand (G>C on the coding strand, the complement: PRKDC is on the minus strand). VCF-style: chr8-47828175-C-G. GRCh37 (hg19) VCF-style: chr8-48740736-C-G.
Other names: c.8570G>C, p.Cys2857Ser (NM_001081640.2); short protein forms C2857S.
Identifiers: ClinVar variation 1404905 (VCV001404905.4), dbSNP rs372202384, ClinGen allele CA4739801.
Genomic context (GRCh38, chr8:47,828,175, plus strand): 5'-ATGTGAAGCCACAGCAAACAATGTATATTTGATGAAGTGTGTGCAGACTTTACCTGAATA[C>G]AAGAGACAAAGGGTGGAAAGAAAGAGAAGGTGGTATTAAGAAAACGATTGAAGTCTTGAA-3'
Protein context (NP_008835.5, residues 2847-2867): TFSFFPPFVS[Cys2857Ser]IQDISCQHAA

ClinVar aggregate classification (germline): Uncertain significance (1 of 4 stars; one submission).

Conditions:
Severe combined immunodeficiency due to DNA-PKcs deficiency. Also called: IMMUNODEFICIENCY 26 WITH NEUROLOGIC ABNORMALITIES; Immunodeficiency 26 with or without neurologic abnormalities. Identifiers: Orphanet 317425, MedGen C4014833, MONDO:0014423, OMIM 615966.

Allele frequency attached by ClinVar (database versions not stated): gnomAD exomes 0.00001; ExAC 0.00003; TOPMed 0.00003; ESP Exome Variant Server 0.00008.
gnomAD v4.1: 17 of 1,613,040 alleles (0.0011%); highest among the groups gnomAD compares: African/African-American, 0.0067%; no homozygotes.

Submission:

Labcorp Genetics (formerly Invitae), Labcorp
Classification: Uncertain significance for Severe combined immunodeficiency due to DNA-PKcs deficiency. Last evaluated: 2022-01-27. Review status: criteria provided, single submitter. Criteria: Invitae Variant Classification Sherloc (09022015). Collection method: clinical testing. Allele origin: germline.
Comment: This sequence change replaces cysteine with serine at codon 2857 of the PRKDC protein (p.Cys2857Ser). The cysteine residue is highly conserved and there is a moderate physicochemical difference between cysteine and serine. In summary, the available evidence is currently insufficient to determine the role of this variant in disease. Therefore, it has been classified as a Variant of Uncertain Significance. Experimental studies and prediction algorithms are not available or were not evaluated, and the functional significance of this variant is currently unknown. This variant has not been reported in the literature in individuals affected with PRKDC-related conditions. This variant is present in population databases (rs372202384, gnomAD 0.01%).